The following is an entry in ClinVar:

NM_004519.4(KCNQ3):c.2614A>G (p.Ile872Val)

Gene: KCNQ3 (potassium voltage-gated channel subfamily Q member 3; minus strand). Cytogenetic location: 8q24.22.
Variant type: single nucleotide variant.
Coding change: c.2614A>G on transcript NM_004519.4 (MANE Select); coding-DNA position 2614, A replaced by G.
Protein change: p.Ile872Val; replaces isoleucine 872 with valine.
Molecular consequence: missense variant.
Genome position (GRCh38, 1-based): chr8:132,129,267, T>C on the plus strand (A>G on the coding strand, the complement: KCNQ3 is on the minus strand). VCF-style: chr8-132129267-T-C. GRCh37 (hg19) VCF-style: chr8-133141514-T-C.
Other names: p.I872V:ATT>GTT; c.2254A>G, p.Ile752Val (NM_001204824.2); short protein forms I872V, I752V.
Identifiers: ClinVar variation 205995 (VCV000205995.41), dbSNP rs199682667, ClinGen allele CA315656.

ClinVar aggregate classification (germline): Conflicting classifications of pathogenicity. Review status: criteria provided, conflicting classifications (1 of 4 stars). 6 submissions from 6 submitters: Uncertain significance (3); Likely benign (3). Last evaluated 2025-06-01.

Conditions:
Inborn genetic diseases. Identifiers: MedGen C0950123, MeSH D030342.
Benign neonatal seizures. Also called: Convulsions benign familial neonatal dominant form; Autosomal dominant form of benign neonatal seizures; Benign familial neonatal seizures; Benign neonatal familial convulsions; Benign familial neonatal epilepsy. Identifiers: Orphanet 1949, MedGen C0220669, MONDO:0016027.
Seizures, benign familial neonatal, 2. Also called: Seizures, benign neonatal, 2; KCNQ3-Related Self-Limited Familial Neonatal Epilepsy (SLFNE); CONVULSIONS, BENIGN FAMILIAL NEONATAL, 2; Benign Neonatal Epilepsy 2; KCNQ3-Related Benign Familial Neonatal Epilepsy. Identifiers: Orphanet 1949, MedGen C1852581, MONDO:0007366, OMIM 121201.

Allele frequency attached by ClinVar (database versions not stated): ExAC 0.00003; gnomAD exomes 0.00004 and 0.00010; gnomAD 0.00006 and 0.00007; TOPMed 0.00007; ESP Exome Variant Server 0.00008.
gnomAD v4.1: 150 of 1,611,232 alleles (0.0093%); highest among the groups gnomAD compares: Middle Eastern, 0.016%; no homozygotes.

Submissions (6):

CeGaT Center for Human Genetics Tuebingen
Classification: Uncertain significance. Last evaluated: 2025-06-01. Review status: criteria provided, single submitter. Criteria: CeGaT Center For Human Genetics Tuebingen Variant Classification Criteria Version 2. Collection method: clinical testing. Allele origin: germline. Affected: yes. Observed: 3 variant alleles.

Labcorp Genetics (formerly Invitae), Labcorp
Classification: Uncertain significance for Benign neonatal seizures. Last evaluated: 2024-10-21. Review status: criteria provided, single submitter. Criteria: Invitae Variant Classification Sherloc (09022015). Collection method: clinical testing. Allele origin: germline.
Comment: This sequence change replaces isoleucine, which is neutral and non-polar, with valine, which is neutral and non-polar, at codon 872 of the KCNQ3 protein (p.Ile872Val). This variant is present in population databases (rs199682667, gnomAD 0.008%). This variant has not been reported in the literature in individuals affected with KCNQ3-related conditions. ClinVar contains an entry for this variant (Variation ID: 205995). Invitae Evidence Modeling of protein sequence and biophysical properties (such as structural, functional, and spatial information, amino acid conservation, physicochemical variation, residue mobility, and thermodynamic stability) indicates that this missense variant is not expected to disrupt KCNQ3 protein function with a negative predictive value of 95%. In summary, the available evidence is currently insufficient to determine the role of this variant in disease. Therefore, it has been classified as a Variant of Uncertain Significance.

Blueprint Genetics
Classification: Likely benign. Last evaluated: 2024-01-25. Review status: criteria provided, single submitter. Criteria: ACMG Guidelines, 2015. Collection method: clinical testing. Allele origin: germline.

Ambry Genetics
Classification: Likely benign for Inborn genetic diseases. Last evaluated: 2023-01-24. Review status: criteria provided, single submitter. Criteria: Ambry Variant Classification Scheme 2023. Collection method: clinical testing. Allele origin: germline.

GeneDx
Classification: Likely benign. Last evaluated: 2020-07-21. Review status: criteria provided, single submitter. Criteria: GeneDx Variant Classification Process June 2021. Collection method: clinical testing. Allele origin: germline. Affected: yes.

Fulgent Genetics
Classification: Uncertain significance for Seizures, benign familial neonatal, 2. Last evaluated: 2018-10-31. Review status: criteria provided, single submitter. Criteria: ACMG Guidelines, 2015. Collection method: clinical testing. Allele origin: unknown.